The following is an entry in ClinVar:

NM_004656.4(BAP1):c.137T>A (p.Phe46Tyr)

Gene: BAP1 (BRCA1 associated deubiquitinase 1; minus strand). Cytogenetic location: 3p21.1.
Variant type: single nucleotide variant.
Coding change: c.137T>A on transcript NM_004656.4 (MANE Select); coding-DNA position 137, T replaced by A.
Protein change: p.Phe46Tyr; replaces phenylalanine 46 with tyrosine.
Molecular consequence: missense variant.
Genome position (GRCh38, 1-based): chr3:52,408,592, A>T on the plus strand (T>A on the coding strand, the complement: BAP1 is on the minus strand). VCF-style: chr3-52408592-A-T. GRCh37 (hg19) VCF-style: chr3-52442608-A-T.
Other names: c.137T>A, p.Phe46Tyr (NM_001410772.1); short protein forms F46Y.
Identifiers: ClinVar variation 3645899 (VCV003645899.2).

ClinVar aggregate classification (germline): Uncertain significance (1 of 4 stars; one submission).

Conditions:
BAP1-related tumor predisposition syndrome (TPDS1). Also called: Tumor susceptibility linked to germline BAP1 mutations; TUMOR PREDISPOSITION SYNDROME 1; BAP1 tumor predisposition syndrome; COMMON Syndrome. Identifiers: Orphanet 289539, MedGen C3280492, MONDO:0013692, OMIM 614327.

Submission:

Labcorp Genetics (formerly Invitae), Labcorp
Classification: Uncertain significance for BAP1-related tumor predisposition syndrome. Last evaluated: 2024-03-14. Review status: criteria provided, single submitter. Criteria: Invitae Variant Classification Sherloc (09022015). Collection method: clinical testing. Allele origin: germline.
Comment: This sequence change replaces phenylalanine, which is neutral and non-polar, with tyrosine, which is neutral and polar, at codon 46 of the BAP1 protein (p.Phe46Tyr). This variant is not present in population databases (gnomAD no frequency). This variant has not been reported in the literature in individuals affected with BAP1-related conditions. Advanced modeling of protein sequence and biophysical properties (such as structural, functional, and spatial information, amino acid conservation, physicochemical variation, residue mobility, and thermodynamic stability) performed at Invitae indicates that this missense variant is expected to disrupt BAP1 protein function with a positive predictive value of 80%. In summary, the available evidence is currently insufficient to determine the role of this variant in disease. Therefore, it has been classified as a Variant of Uncertain Significance.